The following is an entry in ClinVar:

ClinVar aggregate classification (germline): Uncertain significance. Review status: criteria provided, multiple submitters, no conflicts (2 of 4 stars). 2 submissions from 2 submitters: Uncertain significance (2). Last evaluated 2025-08-31.

Conditions:
Primary ciliary dyskinesia 13. Also called: CILIARY DYSKINESIA, PRIMARY, 13, WITH OR WITHOUT SITUS INVERSUS. Identifiers: Orphanet 244, MedGen C2750790, MONDO:0013174, OMIM 613193.
Primary ciliary dyskinesia. Also called: Ciliary dyskinesia. Identifiers: Orphanet 244, MedGen C0008780, MONDO:0016575, HP:0012265.

Allele frequency attached by ClinVar (database versions not stated): gnomAD 0.00002.
gnomAD v4.1: 4 of 1,590,960 alleles (0.00025%); highest among the groups gnomAD compares: African/African-American, 0.0054%; no homozygotes.

Submissions (2):

Labcorp Genetics (formerly Invitae), Labcorp
Classification: Uncertain significance for Primary ciliary dyskinesia. Last evaluated: 2025-08-31. Review status: criteria provided, single submitter. Criteria: Invitae Variant Classification Sherloc (09022015). Collection method: clinical testing. Allele origin: germline.
Comment: This sequence change replaces threonine, which is neutral and polar, with serine, which is neutral and polar, at codon 420 of the DNAAF1 protein (p.Thr420Ser). This variant is present in population databases (no rsID available, gnomAD 0.01%). This variant has not been reported in the literature in individuals affected with DNAAF1-related conditions. ClinVar contains an entry for this variant (Variation ID: 640693). An algorithm developed to predict the effect of missense changes on protein structure and function (PolyPhen-2) suggests that this variant is likely to be tolerated. In summary, the available evidence is currently insufficient to determine the role of this variant in disease. Therefore, it has been classified as a Variant of Uncertain Significance.

Fulgent Genetics
Classification: Uncertain significance for Primary ciliary dyskinesia 13. Last evaluated: 2021-07-27. Review status: criteria provided, single submitter. Criteria: ACMG Guidelines, 2015. Collection method: clinical testing. Allele origin: unknown.

NM_178452.6(DNAAF1):c.1259C>G (p.Thr420Ser)

Gene: DNAAF1 (dynein axonemal assembly factor 1; plus strand). Cytogenetic location: 16q24.1.
Variant type: single nucleotide variant.
Coding change: c.1259C>G on transcript NM_178452.6 (MANE Select); coding-DNA position 1259, C replaced by G.
Protein change: p.Thr420Ser; replaces threonine 420 with serine.
Molecular consequence: missense variant.
Genome position (GRCh38, 1-based): chr16:84,170,087, C>G. VCF-style: chr16-84170087-C-G. GRCh37 (hg19) VCF-style: chr16-84203693-C-G.
Other names: c.551C>G, p.Thr184Ser (NM_001318756.1); short protein forms T184S, T420S.
Identifiers: ClinVar variation 640693 (VCV000640693.10), dbSNP rs1165621423, ClinGen allele CA396948045.